The following is an entry in ClinVar:

NM_033026.6(PCLO):c.3844C>G (p.Pro1282Ala)

Gene: PCLO (piccolo presynaptic cytomatrix protein; minus strand). Cytogenetic location: 7q21.11.
Variant type: single nucleotide variant.
Coding change: c.3844C>G on transcript NM_033026.6 (MANE Select); coding-DNA position 3844, C replaced by G.
Protein change: p.Pro1282Ala; replaces proline 1282 with alanine.
Molecular consequence: missense variant.
Genome position (GRCh38, 1-based): chr7:82,965,944, G>C on the plus strand (C>G on the coding strand, the complement: PCLO is on the minus strand). VCF-style: chr7-82965944-G-C. GRCh37 (hg19) VCF-style: chr7-82595260-G-C.
Other names: c.3844C>G, p.Pro1282Ala (NM_014510.3); short protein forms P1282A.
Identifiers: ClinVar variation 2967378 (VCV002967378.2), dbSNP rs747587204, ClinGen allele CA4320950.

ClinVar aggregate classification (germline): Uncertain significance (1 of 4 stars; one submission).

Allele frequency attached by ClinVar (database versions not stated): gnomAD exomes below 0.00001; ExAC 0.00001; gnomAD 0.00001; TOPMed 0.00002.
gnomAD v4.1: 6 of 1,613,734 alleles (0.00037%); highest among the groups gnomAD compares: East Asian, 0.011%; no homozygotes.

Submission:

Labcorp Genetics (formerly Invitae), Labcorp
Classification: Uncertain significance. Last evaluated: 2023-11-04. Review status: criteria provided, single submitter. Criteria: Invitae Variant Classification Sherloc (09022015). Collection method: clinical testing. Allele origin: germline.
Comment: This sequence change replaces proline, which is neutral and non-polar, with alanine, which is neutral and non-polar, at codon 1282 of the PCLO protein (p.Pro1282Ala). This variant is present in population databases (rs747587204, gnomAD 0.02%). This variant has not been reported in the literature in individuals affected with PCLO-related conditions. Algorithms developed to predict the effect of missense changes on protein structure and function output the following: SIFT: "Not Available"; PolyPhen-2: "Not Available"; Align-GVGD: "Not Available". The alanine amino acid residue is found in multiple mammalian species, which suggests that this missense change does not adversely affect protein function. In summary, the available evidence is currently insufficient to determine the role of this variant in disease. Therefore, it has been classified as a Variant of Uncertain Significance.